The following is an entry in ClinVar:

NM_001289808.2(CRYAB):c.293T>C (p.Ile98Thr)

Gene: CRYAB (crystallin alpha B; minus strand). Cytogenetic location: 11q23.1.
Variant type: single nucleotide variant.
Coding change: c.293T>C on transcript NM_001289808.2 (MANE Select); coding-DNA position 293, T replaced by C.
Protein change: p.Ile98Thr; replaces isoleucine 98 with threonine.
Molecular consequence: missense variant.
Genome position (GRCh38, 1-based): chr11:111,910,358, A>G on the plus strand (T>C on the coding strand, the complement: CRYAB is on the minus strand). VCF-style: chr11-111910358-A-G. GRCh37 (hg19) VCF-style: chr11-111781082-A-G.
Other names: c.293T>C, p.Ile98Thr (NM_001289807.1, NM_001368245.1, NM_001885.3); c.92T>C, p.Ile31Thr (NM_001330379.1, NM_001368246.1); short protein forms I98T, I31T.
Identifiers: ClinVar variation 4007138 (VCV004007138.3).

ClinVar aggregate classification (germline): Uncertain significance. Review status: criteria provided, multiple submitters, no conflicts (2 of 4 stars). 2 submissions from 2 submitters: Uncertain significance (2). Last evaluated 2026-08-13.

Conditions:
Dilated cardiomyopathy 1II (CMD1II). Identifiers: Orphanet 154, MedGen C3554649, MONDO:0014073, OMIM 615184.
Cardiovascular phenotype. Identifiers: MedGen CN230736.

gnomAD v4.1: 1 of 1,614,238 alleles (0.000062%); highest among the groups gnomAD compares: East Asian, 0.0022%; no homozygotes.

Submissions (2):

Ambry Genetics
Classification: Uncertain significance for Cardiovascular phenotype. Last evaluated: 2026-08-13. Review status: criteria provided, single submitter. Criteria: Ambry Variant Classification Scheme 2023. Collection method: clinical testing. Allele origin: germline.

Labcorp Genetics (formerly Invitae), Labcorp
Classification: Uncertain significance for Dilated cardiomyopathy 1II. Last evaluated: 2025-05-22. Review status: criteria provided, single submitter. Criteria: Invitae Variant Classification Sherloc (09022015). Collection method: clinical testing. Allele origin: germline.
Comment: This sequence change replaces isoleucine, which is neutral and non-polar, with threonine, which is neutral and polar, at codon 98 of the CRYAB protein (p.Ile98Thr). This variant is not present in population databases (gnomAD no frequency). This variant has not been reported in the literature in individuals affected with CRYAB-related conditions. An algorithm developed to predict the effect of missense changes on protein structure and function (PolyPhen-2) suggests that this variant is likely to be disruptive. In summary, the available evidence is currently insufficient to determine the role of this variant in disease. Therefore, it has been classified as a Variant of Uncertain Significance.